The following is an entry in ClinVar:

NM_004525.3(LRP2):c.710A>G (p.Gln237Arg)

Gene: LRP2 (LDL receptor related protein 2; minus strand). Cytogenetic location: 2q31.1.
Variant type: single nucleotide variant.
Coding change: c.710A>G on transcript NM_004525.3 (MANE Select); coding-DNA position 710, A replaced by G.
Protein change: p.Gln237Arg; replaces glutamine 237 with arginine.
Molecular consequence: missense variant.
Genome position (GRCh38, 1-based): chr2:169,292,312, T>C on the plus strand (A>G on the coding strand, the complement: LRP2 is on the minus strand). VCF-style: chr2-169292312-T-C. GRCh37 (hg19) VCF-style: chr2-170148822-T-C.
Other names: short protein forms Q237R.
Identifiers: ClinVar variation 1349397 (VCV001349397.5), dbSNP rs1358301627, ClinGen allele CA349160083.
Genomic context (GRCh38, chr2:169,292,312, plus strand): 5'-CCACATCCATCTTCATCTCCATTATCTTTACAGTCATCTTCTCCATCACAAACCCAGTTT[T>C]GATAAATGCATCGGCCACTGGGGCAAGTGAACTGGTAACCACCGCAGGTCGGATAGTCTG-3'
Protein context (NP_004516.2, residues 227-247): FTCPSGRCIY[Gln237Arg]NWVCDGEDDC

ClinVar aggregate classification (germline): Uncertain significance (1 of 4 stars; one submission).

Allele frequency attached by ClinVar (database versions not stated): gnomAD 0.00001; TOPMed 0.00001.
gnomAD v4.1: 1 of 1,614,070 alleles (0.000062%); highest among the groups gnomAD compares: Non-Finnish European, 0.000085%; no homozygotes.

Submission:

Labcorp Genetics (formerly Invitae), Labcorp
Classification: Uncertain significance. Last evaluated: 2022-10-13. Review status: criteria provided, single submitter. Criteria: Invitae Variant Classification Sherloc (09022015). Collection method: clinical testing. Allele origin: germline.
Comment: This sequence change replaces glutamine, which is neutral and polar, with arginine, which is basic and polar, at codon 237 of the LRP2 protein (p.Gln237Arg). This variant is not present in population databases (gnomAD no frequency). This variant has not been reported in the literature in individuals affected with LRP2-related conditions. ClinVar contains an entry for this variant (Variation ID: 1349397). Advanced modeling of protein sequence and biophysical properties (such as structural, functional, and spatial information, amino acid conservation, physicochemical variation, residue mobility, and thermodynamic stability) performed at Invitae indicates that this missense variant is not expected to disrupt LRP2 protein function. In summary, the available evidence is currently insufficient to determine the role of this variant in disease. Therefore, it has been classified as a Variant of Uncertain Significance.